The following is an entry in ClinVar:

NM_017636.4(TRPM4):c.2953+15G>A

Gene: TRPM4 (transient receptor potential cation channel subfamily M member 4; plus strand). Cytogenetic location: 19q13.33.
Variant type: single nucleotide variant.
Coding change: c.2953+15G>A on transcript NM_017636.4 (MANE Select); 15 bases into the intron after coding-DNA position 2953, G replaced by A.
Molecular consequence: intron variant.
Genome position (GRCh38, 1-based): chr19:49,200,800, G>A. VCF-style: chr19-49200800-G-A. GRCh37 (hg19) VCF-style: chr19-49704057-G-A.
Other names: c.2518+15G>A (NM_001195227.2); c.1345+15G>A (NM_001321282.2); c.2608+15G>A (NM_001321281.2); c.2431+15G>A (NM_001321283.2); c.1891+15G>A (NM_001321285.2).
Identifiers: ClinVar variation 506433 (VCV000506433.14), dbSNP rs115274216, ClinGen allele CA9569718.

ClinVar aggregate classification (germline): Benign/Likely benign. Review status: criteria provided, multiple submitters, no conflicts (2 of 4 stars). 5 submissions from 5 submitters: Benign (3); Likely benign (2). Last evaluated 2026-02-03.

Conditions:
Progressive familial heart block type IB (PFHB1B). Identifiers: Orphanet 871, MedGen C1970298, MONDO:0011474, OMIM 604559.

Allele frequency attached by ClinVar (database versions not stated): gnomAD exomes 0.00079 and 0.00204; ExAC 0.00258; 1000 Genomes Project 30x 0.00734; gnomAD 0.00798 and 0.00850; 1000 Genomes Project 0.00799; TOPMed 0.00887; ESP Exome Variant Server 0.00923.
gnomAD v4.1: 2,436 of 1,613,244 alleles (0.15%); highest among the groups gnomAD compares: African/African-American, 2.8%; 36 homozygotes.

Submissions (5):

Labcorp Genetics (formerly Invitae), Labcorp
Classification: Benign for Progressive familial heart block type IB. Last evaluated: 2026-02-03. Review status: criteria provided, single submitter. Criteria: Invitae Variant Classification Sherloc (09022015). Collection method: clinical testing. Allele origin: germline.

Women's Health and Genetics/Laboratory Corporation of America, LabCorp
Classification: Benign. Last evaluated: 2024-11-04. Review status: criteria provided, single submitter. Criteria: LabCorp Variant Classification Summary - May 2015. Collection method: clinical testing. Allele origin: germline.

Illumina Laboratory Services, Illumina
Classification: Likely benign for Progressive familial heart block type IB. Last evaluated: 2018-01-13. Review status: criteria provided, single submitter. Criteria: ICSL Variant Classification Criteria 13 December 2019. Collection method: clinical testing. Allele origin: germline.
Comment: This variant was observed in the ICSL laboratory as part of a predisposition screen in an ostensibly healthy population. It had not been previously curated by ICSL or reported in the Human Gene Mutation Database (HGMD: prior to June 1st, 2018), and was therefore a candidate for classification through an automated scoring system. Utilizing variant allele frequency, disease prevalence and penetrance estimates, and inheritance mode, an automated score was calculated to assess if this variant is too frequent to cause the disease. Based on the score and internal cut-off values, a variant classified as likely benign is not then subjected to further curation. The score for this variant resulted in a classification of likely benign for this disease.

GeneDx
Classification: Benign. Last evaluated: 2017-02-16. Review status: criteria provided, single submitter. Criteria: GeneDx Variant Classification (06012015). Collection method: clinical testing. Allele origin: germline. Affected: yes.
Comment: This variant is considered likely benign or benign based on one or more of the following criteria: it is a conservative change, it occurs at a poorly conserved position in the protein, it is predicted to be benign by multiple in silico algorithms, and/or has population frequency not consistent with disease.

Breakthrough Genomics
Classification: Likely benign. Review status: criteria provided, single submitter. Criteria: ACMG Guidelines, 2015. Collection method: not provided. Allele origin: germline. Inheritance: Autosomal dominant inheritance. Affected: yes.